The following is an entry in ClinVar:

NM_001376.5(DYNC1H1):c.6485C>T (p.Ser2162Leu)

Gene: DYNC1H1 (dynein cytoplasmic 1 heavy chain 1; plus strand). Cytogenetic location: 14q32.31.
Variant type: single nucleotide variant.
Coding change: c.6485C>T on transcript NM_001376.5 (MANE Select); coding-DNA position 6485, C replaced by T.
Protein change: p.Ser2162Leu; replaces serine 2162 with leucine.
Molecular consequence: missense variant.
Genome position (GRCh38, 1-based): chr14:102,010,819, C>T. VCF-style: chr14-102010819-C-T. GRCh37 (hg19) VCF-style: chr14-102477156-C-T.
Other names: short protein forms S2162L.
Identifiers: ClinVar variation 1753780 (VCV001753780.7), dbSNP rs751081074, ClinGen allele CA7352630.
Genomic context (GRCh38, chr14:102,010,819, plus strand): 5'-GTGAGACGATGGTGCCAAAGCTGGTGGCAGAGGACATCCCGCTGCTCTTCAGCCTCCTGT[C>T]GGACGTGTTCCCTGGAGTCCAGTATCACAGGGGTGAGATGACTGCCCTTCGAGAGGAGCT-3'
Protein context (NP_001367.2, residues 2152-2172): EDIPLLFSLL[Ser2162Leu]DVFPGVQYHR

ClinVar aggregate classification (germline): Conflicting classifications of pathogenicity. Review status: criteria provided, conflicting classifications (1 of 4 stars). 2 submissions from 2 submitters: Uncertain significance (1); Likely benign (1). Last evaluated 2025-08-15.

Conditions:
Inborn genetic diseases. Identifiers: MedGen C0950123, MeSH D030342.
Charcot-Marie-Tooth disease axonal type 2O. Also called: CHARCOT-MARIE-TOOTH NEUROPATHY, AXONAL, TYPE 2O; CHARCOT-MARIE-TOOTH DISEASE, AXONAL, AUTOSOMAL DOMINANT, TYPE 2O; Charcot-Marie-Tooth Neuropathy Type 2O; Charcot-Marie-Tooth disease, axonal, type 20. Identifiers: Orphanet 284232, MedGen C3280220, MONDO:0013644, OMIM 614228.

Allele frequency attached by ClinVar (database versions not stated): gnomAD exomes below 0.00001; ExAC 0.00001; gnomAD 0.00001.
gnomAD v4.1: 3 of 1,614,072 alleles (0.00019%); highest among the groups gnomAD compares: Admixed American, 0.0017%; no homozygotes.

Submissions (2):

Labcorp Genetics (formerly Invitae), Labcorp
Classification: Likely benign for Charcot-Marie-Tooth disease axonal type 2O. Last evaluated: 2025-08-15. Review status: criteria provided, single submitter. Criteria: Invitae Variant Classification Sherloc (09022015). Collection method: clinical testing. Allele origin: germline.

Ambry Genetics
Classification: Uncertain significance for Inborn genetic diseases. Last evaluated: 2021-01-15. Review status: criteria provided, single submitter. Criteria: Ambry Variant Classification Scheme 2023. Collection method: clinical testing. Allele origin: germline.
Comment: The p.S2162L variant (also known as c.6485C>T), located in coding exon 32 of the DYNC1H1 gene, results from a C to T substitution at nucleotide position 6485. The serine at codon 2162 is replaced by leucine, an amino acid with dissimilar properties. This amino acid position is highly conserved in available vertebrate species. In addition, the in silico prediction for this alteration is inconclusive. Since supporting evidence is limited at this time, the clinical significance of this alteration remains unclear.